The following is an entry in ClinVar:

NM_000334.4(SCN4A):c.32C>T (p.Pro11Leu)

Gene: SCN4A (sodium voltage-gated channel alpha subunit 4; minus strand). Cytogenetic location: 17q23.3.
Variant type: single nucleotide variant.
Coding change: c.32C>T on transcript NM_000334.4 (MANE Select); coding-DNA position 32, C replaced by T.
Protein change: p.Pro11Leu; replaces proline 11 with leucine.
Molecular consequence: missense variant.
Genome position (GRCh38, 1-based): chr17:63,972,810, G>A on the plus strand (C>T on the coding strand, the complement: SCN4A is on the minus strand). VCF-style: chr17-63972810-G-A. GRCh37 (hg19) VCF-style: chr17-62050170-G-A.
Other names: short protein forms P11L.
Identifiers: ClinVar variation 3382966 (VCV003382966.2).

ClinVar aggregate classification (germline): Uncertain significance (1 of 4 stars; one submission).

Conditions:
Potassium-aggravated myotonia. Also called: MYOTONIA CONGENITA, ACETAZOLAMIDE-RESPONSIVE; MYOTONIA CONGENITA, ATYPICAL; SODIUM CHANNEL MUSCLE DISEASE; Myotonia congenita, atypical, acetazolamide-responsive. Identifiers: Orphanet 612, Orphanet 99734, Orphanet 99735, Orphanet 99736, MedGen C2931826, MONDO:0018959, OMIM 608390.
Paramyotonia congenita of Von Eulenburg. Also called: PARALYSIS PERIODICA PARAMYOTONICA; Eulenburg disease; Myotonia congenita intermittens; Von Eulenburg paramyotonia congenita; Paramyotonia Congenita. Identifiers: Orphanet 684, MedGen C0221055, MONDO:0008195, OMIM 168300. Disease mechanism: loss of function.
Hypokalemic periodic paralysis, type 2 (HOKPP2). Identifiers: Orphanet 681, MedGen C2750061, MONDO:0013234, OMIM 613345.
Hyperkalemic periodic paralysis. Also called: Gamstorp disease; Familial hyperkalemic periodic paralysis. Identifiers: Orphanet 682, MedGen C0238357, MONDO:0008224, OMIM 170500, HP:0007215.
Congenital myasthenic syndrome 16. Identifiers: Orphanet 590, MedGen C3280112, MONDO:0013620, OMIM 614198.

Submission:

Juno Genomics, Hangzhou Juno Genomics, Inc
Classification: Uncertain significance for Hyperkalemic periodic paralysis; Hypokalemic periodic paralysis, type 2; Congenital myasthenic syndrome 16; Potassium-aggravated myotonia; Paramyotonia congenita of Von Eulenburg. Review status: criteria provided, single submitter. Criteria: ACMG Guidelines, 2015. Collection method: clinical testing. Allele origin: germline. Affected: yes.
Comment: Absent from controls (or at extremely low frequency if recessive) in Genome Aggregation Database, Exome Sequencing Project, 1000 Genomes Project, or Exome Aggregation Consortium.;Assumed de novo, but without confirmation of paternity and maternity.